The following is an entry in ClinVar:

ClinVar aggregate classification (germline): Uncertain significance (1 of 4 stars; one submission).

Conditions:
Joubert syndrome. Also called: CEREBELLOPARENCHYMAL DISORDER IV; JOUBERT-BOLTSHAUSER SYNDROME; Familial aplasia of the vermis. Identifiers: Orphanet 475, MedGen C5979921, MONDO:0018772.
Meckel-Gruber syndrome. Also called: DYSENCEPHALIA SPLANCHNOCYSTICA; GRUBER SYNDROME; Dysencephalia splachnocystica. Identifiers: Orphanet 564, MedGen C0265215, MONDO:0018921.

Allele frequency attached by ClinVar (database versions not stated): gnomAD 0.00001.

Submission:

Labcorp Genetics (formerly Invitae), Labcorp
Classification: Uncertain significance for Joubert syndrome; Meckel-Gruber syndrome. Last evaluated: 2023-05-08. Review status: criteria provided, single submitter. Criteria: Invitae Variant Classification Sherloc (09022015). Collection method: clinical testing. Allele origin: germline.
Comment: In summary, the available evidence is currently insufficient to determine the role of this variant in disease. Therefore, it has been classified as a Variant of Uncertain Significance. Variants that disrupt the consensus splice site are a relatively common cause of aberrant splicing (PMID: 17576681, 9536098). Algorithms developed to predict the effect of sequence changes on RNA splicing suggest that this variant is not likely to affect RNA splicing. ClinVar contains an entry for this variant (Variation ID: 2165681). This variant has not been reported in the literature in individuals affected with MKS1-related conditions. This variant is present in population databases (no rsID available, gnomAD 0.01%). This sequence change falls in intron 1 of the MKS1 gene. It does not directly change the encoded amino acid sequence of the MKS1 protein. It affects a nucleotide within the consensus splice site.

Literature cited by the submitters: PubMed 17576681; PubMed 9536098.

NM_017777.4(MKS1):c.80+6C>T

Genes: MKS1 (MKS transition zone complex subunit 1; minus strand), LOC130061271 (ATAC-STARR-seq lymphoblastoid active region 12461; plus strand). Cytogenetic location: 17q22.
Variant type: single nucleotide variant.
Coding change: c.80+6C>T on transcript NM_017777.4 (MANE Select); 6 bases into the intron after coding-DNA position 80, C replaced by T.
Molecular consequence: intron variant.
Genome position (GRCh38, 1-based): chr17:58,219,145, G>A on the plus strand (C>T on the coding strand, the complement: MKS1 is on the minus strand). VCF-style: chr17-58219145-G-A. GRCh37 (hg19) VCF-style: chr17-56296506-G-A.
Other names: c.-432+6C>T (NM_001321268.2); c.80+6C>T (NM_001330397.2, NM_001321269.2).
Identifiers: ClinVar variation 2165681 (VCV002165681.2), dbSNP rs1397235654, ClinGen allele CA626731407.
Genomic context (GRCh38, chr17:58,219,145, plus strand): 5'-AGCTCAGGTTGGAATGATCTAAGGACACAAAAGCATGGGGCCTCGGGGCTGGGGCGGTGC[G>A]ACTACCGGAGGCGCAAGTTGCGCACGGGGTCCCGGGAGCGATACACTGCCTCCCCGGTGT-3'